The following is an entry in ClinVar:

NM_032043.3(BRIP1):c.194A>C (p.Gln65Pro)

Gene: BRIP1 (BRCA1 interacting DNA helicase 1; minus strand). Cytogenetic location: 17q23.2.
Variant type: single nucleotide variant.
Coding change: c.194A>C on transcript NM_032043.3 (MANE Select); coding-DNA position 194, A replaced by C.
Protein change: p.Gln65Pro; replaces glutamine 65 with proline.
Molecular consequence: missense variant.
Genome position (GRCh38, 1-based): chr17:61,859,807, T>G on the plus strand (A>C on the coding strand, the complement: BRIP1 is on the minus strand). VCF-style: chr17-61859807-T-G. GRCh37 (hg19) VCF-style: chr17-59937168-T-G.
Other names: short protein forms Q65P.
Identifiers: ClinVar variation 1388756 (VCV001388756.9), dbSNP rs1555618377, ClinGen allele CA400485668.
Genomic context (GRCh38, chr17:61,859,807, plus strand): 5'-TTTTCTCAGATCCCAGTAAGTAACCTGAAGATATCAAGCAACTACTTACCACTAAGAGAT[T>G]GTTGCCATGCTAAAGCAGAACAAAGTAAGGCTAAGCTTTTTCCACTTCCTGTGGGACTCT-3'
Protein context (NP_114432.2, residues 55-75): ALLCSALAWQ[Gln65Pro]SLSGKPADEG

ClinVar aggregate classification (germline): Uncertain significance (1 of 4 stars; one submission).

Conditions:
Familial cancer of breast. Also called: BREAST CANCER, FAMILIAL; hereditary breast carcinoma; Hereditary breast cancer. Identifiers: Orphanet 227535, MedGen C0346153, MONDO:0016419, OMIM 114480. Disease mechanism: loss of function.
Fanconi anemia complementation group J. Also called: BRIP1-Related Fanconi Anemia. Identifiers: Orphanet 84, MedGen C1836860, MONDO:0012187, OMIM 609054.

Submission:

Labcorp Genetics (formerly Invitae), Labcorp
Classification: Uncertain significance for Familial cancer of breast; Fanconi anemia complementation group J. Last evaluated: 2021-07-29. Review status: criteria provided, single submitter. Criteria: Invitae Variant Classification Sherloc (09022015). Collection method: clinical testing. Allele origin: germline.
Comment: This sequence change replaces glutamine with proline at codon 65 of the BRIP1 protein (p.Gln65Pro). The glutamine residue is moderately conserved and there is a moderate physicochemical difference between glutamine and proline. This variant is not present in population databases (ExAC no frequency). In summary, the available evidence is currently insufficient to determine the role of this variant in disease. Therefore, it has been classified as a Variant of Uncertain Significance. Algorithms developed to predict the effect of missense changes on protein structure and function are either unavailable or do not agree on the potential impact of this missense change (SIFT: "Deleterious"; PolyPhen-2: "Probably Damaging"; Align-GVGD: "Class C15"). This variant has not been reported in the literature in individuals with BRIP1-related conditions.